The following is an entry in ClinVar:

ClinVar aggregate classification (germline): Uncertain significance (1 of 4 stars; one submission).

Submission:

CeGaT Center for Human Genetics Tuebingen
Classification: Uncertain significance. Last evaluated: 2024-03-01. Review status: criteria provided, single submitter. Criteria: CeGaT Center For Human Genetics Tuebingen Variant Classification Criteria Version 2. Collection method: clinical testing. Allele origin: germline. Affected: yes. Observed: 1 variant allele.
Comment: TBC1D24: PM2

NM_001199107.2(TBC1D24):c.523G>T (p.Ala175Ser)

Gene: TBC1D24 (TBC1 domain family member 24; plus strand). Cytogenetic location: 16p13.3.
Variant type: single nucleotide variant.
Coding change: c.523G>T on transcript NM_001199107.2 (MANE Select); coding-DNA position 523, G replaced by T.
Protein change: p.Ala175Ser; replaces alanine 175 with serine.
Molecular consequence: missense variant.
Genome position (GRCh38, 1-based): chr16:2,496,671, G>T. VCF-style: chr16-2496671-G-T. GRCh37 (hg19) VCF-style: chr16-2546672-G-T.
Other names: c.523G>T, p.Ala175Ser (NM_020705.3); short protein forms A175S.
Identifiers: ClinVar variation 3067725 (VCV003067725.21), dbSNP rs2141871916, ClinGen allele CA394376391.